The following is an entry in ClinVar:

ClinVar aggregate classification (germline): Uncertain significance. Review status: criteria provided, multiple submitters, no conflicts (2 of 4 stars). 2 submissions from 2 submitters: Uncertain significance (2). Last evaluated 2025-01-08.

Conditions:
Hereditary cancer-predisposing syndrome. Also called: Neoplastic Syndromes, Hereditary; Hereditary Cancer Syndrome; Tumor predisposition; Hereditary neoplastic syndrome. Identifiers: Orphanet 140162, MedGen C0027672, MeSH D009386, MONDO:0015356.
Bloom syndrome (BLM). Also called: Bloom-Torre-Machacek syndrome. Identifiers: Orphanet 125, MedGen C0005859, MONDO:0008876, OMIM 210900.

Submissions (2):

Ambry Genetics
Classification: Uncertain significance for Hereditary cancer-predisposing syndrome. Last evaluated: 2025-01-08. Review status: criteria provided, single submitter. Criteria: Ambry Variant Classification Scheme 2023. Collection method: clinical testing. Allele origin: germline.
Comment: The p.P78R variant (also known as c.233C>G), located in coding exon 2 of the BLM gene, results from a C to G substitution at nucleotide position 233. The proline at codon 78 is replaced by arginine, an amino acid with dissimilar properties. This amino acid position is conserved. In addition, this alteration is predicted to be tolerated by in silico analysis. Based on the available evidence, the clinical significance of this variant remains unclear.

Labcorp Genetics (formerly Invitae), Labcorp
Classification: Uncertain significance for Bloom syndrome. Last evaluated: 2024-10-28. Review status: criteria provided, single submitter. Criteria: Invitae Variant Classification Sherloc (09022015). Collection method: clinical testing. Allele origin: germline.
Comment: This sequence change replaces proline, which is neutral and non-polar, with arginine, which is basic and polar, at codon 78 of the BLM protein (p.Pro78Arg). This variant is not present in population databases (gnomAD no frequency). This variant has not been reported in the literature in individuals affected with BLM-related conditions. ClinVar contains an entry for this variant (Variation ID: 1472171). An algorithm developed to predict the effect of missense changes on protein structure and function (PolyPhen-2) suggests that this variant is likely to be tolerated. In summary, the available evidence is currently insufficient to determine the role of this variant in disease. Therefore, it has been classified as a Variant of Uncertain Significance.

NM_000057.4(BLM):c.233C>G (p.Pro78Arg)

Gene: BLM (BLM RecQ like helicase; plus strand). Cytogenetic location: 15q26.1.
Variant type: single nucleotide variant.
Coding change: c.233C>G on transcript NM_000057.4 (MANE Select); coding-DNA position 233, C replaced by G.
Protein change: p.Pro78Arg; replaces proline 78 with arginine.
Molecular consequence: missense variant. On other transcripts: 5 prime UTR variant (1).
Genome position (GRCh38, 1-based): chr15:90,749,501, C>G. VCF-style: chr15-90749501-C-G. GRCh37 (hg19) VCF-style: chr15-91292731-C-G.
Other names: c.233C>G, p.Pro78Arg (NM_001287246.2, NM_001287247.2); c.-1059C>G (NM_001287248.2); c.233C>G (NM_000057.2); short protein forms P78R.
Identifiers: ClinVar variation 1472171 (VCV001472171.8), dbSNP rs2151146905, ClinGen allele CA393839882.